The following is an entry in ClinVar:

ClinVar aggregate classification (germline): Likely benign. Review status: criteria provided, multiple submitters, no conflicts (2 of 4 stars). 3 submissions from 3 submitters: Likely benign (2). 1 of the submissions does not count toward it. Last evaluated 2025-06-09.

Conditions:
RYR1-related disorder. Also called: RYR1-related condition; RYR1-related disorders. Identifiers: MedGen CN239331.
Malignant hyperthermia, susceptibility to, 1 (MHS1). Also called: RYR1-Related Malignant Hyperthermia Susceptibility; Anesthesia related hyperthermia; Malignant hyperpyrexia; Fulminating hyperpyrexia; Pharmacogenic myopathy; Malignant hyperthermia suceptibility 1. Identifiers: Orphanet 423, MedGen C2930980, MONDO:0007783, OMIM 145600.

Allele frequency attached by ClinVar (database versions not stated): ExAC 0.00001; gnomAD 0.00001 and 0.00002; gnomAD exomes 0.00001.
gnomAD v4.1: 10 of 1,614,052 alleles (0.00062%); highest among the groups gnomAD compares: Admixed American, 0.01%; no homozygotes.

Submissions (3):

Color Diagnostics, LLC DBA Color Health
Classification: Likely benign for Malignant hyperthermia, susceptibility to, 1. Last evaluated: 2025-06-09. Review status: criteria provided, single submitter. Criteria: ACMG Guidelines, 2015. Collection method: clinical testing. Allele origin: germline.

Labcorp Genetics (formerly Invitae), Labcorp
Classification: Likely benign for RYR1-related disorder. Last evaluated: 2025-03-13. Review status: criteria provided, single submitter. Criteria: Invitae Variant Classification Sherloc (09022015). Collection method: clinical testing. Allele origin: germline.

PreventionGenetics, part of Exact Sciences
Classification: Likely benign for RYR1-related condition. Last evaluated: 2021-06-23. Review status: no assertion criteria provided. Collection method: clinical testing. Allele origin: germline. Not counted in ClinVar's aggregate classification.
Comment: This variant is classified as likely benign based on ACMG/AMP sequence variant interpretation guidelines (Richards et al. 2015 PMID: 25741868, with internal and published modifications).

NM_000540.3(RYR1):c.12222A>G (p.Glu4074=)

Gene: RYR1 (ryanodine receptor 1; plus strand). Cytogenetic location: 19q13.2.
Variant type: single nucleotide variant.
Coding change: c.12222A>G on transcript NM_000540.3 (MANE Select); coding-DNA position 12222, A replaced by G.
Protein change: p.Glu4074=; no amino-acid change (glutamic acid 4074 retained).
Molecular consequence: synonymous variant.
Genome position (GRCh38, 1-based): chr19:38,548,360, A>G. VCF-style: chr19-38548360-A-G. GRCh37 (hg19) VCF-style: chr19-39039000-A-G.
Other names: c.12207A>G, p.Glu4069= (NM_001042723.2).
Identifiers: ClinVar variation 544463 (VCV000544463.12), dbSNP rs751531998, ClinGen allele CA058475.
Genomic context (GRCh38, chr19:38,548,360, plus strand): 5'-GGAGATGATCCTCAAGTTCTTCGACATGTTCCTGAAACTCAAGGACATTGTGGGCTCTGA[A>G]GCCTTCCAGGACTACGTAACGGATCCCCGTGGCCTCATCTCCAAGAAGGACTTCCAGAAG-3'
Protein context (NP_000531.2, residues 4064-4084): FLKLKDIVGS[Glu4074=]AFQDYVTDPR